The following is an entry in ClinVar:

NM_000059.4(BRCA2):c.6033_6034insGT (p.Ser2012fs)

Gene: BRCA2 (BRCA2 DNA repair associated; plus strand). Cytogenetic location: 13q13.1.
Variant type: Insertion.
Coding change: c.6033_6034insGT on transcript NM_000059.4 (MANE Select); coding-DNA positions 6033 to 6034, GT inserted.
Protein change: p.Ser2012fs; shifts the reading frame from serine 2012.
Molecular consequence: frameshift variant.
Genome position: GRCh38 VCF-style: chr13-32340387-T-TTG. GRCh37 (hg19) VCF-style: chr13-32914524-T-TTG.
Other names: 6261insGT; short protein forms S2012fs.
Identifiers: ClinVar variation 51994 (VCV000051994.8), dbSNP rs397507824, ClinGen allele CA023557.
Genomic context (GRCh38, chr13:32,340,387, plus strand): 5'-CTTCATTACAAAACGCAAGACAAGTGTTTTCTGAAATAGAAGATAGTACCAAGCAAGTCT[T>TTG]TTCCAAAGTATTGTTTAAAAGTAACGAACATTCAGACCAGCTCACAAGAGAAGAAAATAC-3'

ClinVar aggregate classification (germline): Pathogenic. Review status: reviewed by expert panel (3 of 4 stars). 3 submissions from 3 submitters: Pathogenic (1). 2 of the submissions do not count toward it. Last evaluated 2016-10-18.

Conditions:
Breast-ovarian cancer, familial, susceptibility to, 2 (BROVCA2). Also called: BRCA2 Hereditary Breast and Ovarian Cancer. Identifiers: Orphanet 145, MedGen C2675520, MONDO:0012933, OMIM 612555. Disease mechanism: loss of function.

Submissions (3):

Evidence-based Network for the Interpretation of Germline Mutant Alleles (ENIGMA)
Classification: Pathogenic for Breast-ovarian cancer, familial, susceptibility to, 2. Last evaluated: 2016-10-18. Review status: reviewed by expert panel. Criteria: ENIGMA BRCA1/2 Classification Criteria (2015). Collection method: curation. Allele origin: germline.
Comment: Variant allele predicted to encode a truncated non-functional protein.

Myriad Genetics, Inc.
Classification: Pathogenic for Breast-ovarian cancer, familial, susceptibility to, 2. Last evaluated: 2024-06-17. Review status: criteria provided, single submitter. Criteria: Myriad Autosomal Dominant, Autosomal Recessive and X-Linked Classification Criteria (2023). Collection method: clinical testing. Allele origin: unknown. Not counted in ClinVar's aggregate classification.
Comment: This variant is considered pathogenic. This variant creates a frameshift predicted to result in premature protein truncation.

Consortium of Investigators of Modifiers of BRCA1/2 (CIMBA), c/o University of Cambridge
Classification: Pathogenic for Breast-ovarian cancer, familial, susceptibility to, 2. Last evaluated: 2015-10-02. Review status: criteria provided, single submitter. Criteria: CIMBA Mutation Classification guidelines May 2016. Collection method: clinical testing. Allele origin: germline. Not counted in ClinVar's aggregate classification.